The following is an entry in ClinVar:

ClinVar aggregate classification (germline): Likely benign. Review status: criteria provided, multiple submitters, no conflicts (2 of 4 stars). 3 submissions from 3 submitters: Likely benign (3). Last evaluated 2023-10-27.

Conditions:
Wilson disease (WND). Also called: Wilson's disease. Identifiers: Orphanet 905, MedGen C0019202, MONDO:0010200, OMIM 277900. Disease mechanism: loss of function.

Submissions (3):

All of Us Research Program, National Institutes of Health
Classification: Likely benign for Wilson disease. Last evaluated: 2023-10-27. Review status: criteria provided, single submitter. Criteria: ACMG Guidelines, 2015. Collection method: clinical testing. Allele origin: germline. Inheritance: Autosomal recessive inheritance. Observed: 1 variant allele, 1 heterozygote.
Comment: This study involves interpretation of variants in research participants for the purpose of population health screening. Participant phenotype was not available at the time of variant classification. Additional details can be found in publication PMID: 35346344, PMCID: PMC8962531

Color Diagnostics, LLC DBA Color Health
Classification: Likely benign for Wilson disease. Last evaluated: 2023-10-18. Review status: criteria provided, single submitter. Criteria: ACMG Guidelines, 2015. Collection method: clinical testing. Allele origin: germline.

Labcorp Genetics (formerly Invitae), Labcorp
Classification: Likely benign for Wilson disease. Last evaluated: 2020-04-20. Review status: criteria provided, single submitter. Criteria: Invitae Variant Classification Sherloc (09022015). Collection method: clinical testing. Allele origin: germline.

NM_000053.4(ATP7B):c.1602A>G (p.Pro534=)

Gene: ATP7B (ATPase copper transporting beta; minus strand). Cytogenetic location: 13q14.3.
Variant type: single nucleotide variant.
Coding change: c.1602A>G on transcript NM_000053.4 (MANE Select); coding-DNA position 1602, A replaced by G.
Protein change: p.Pro534=; no amino-acid change (proline 534 retained).
Molecular consequence: synonymous variant.
Genome position (GRCh38, 1-based): chr13:51,968,549, T>C on the plus strand (A>G on the coding strand, the complement: ATP7B is on the minus strand). VCF-style: chr13-51968549-T-C. GRCh37 (hg19) VCF-style: chr13-52542685-T-C.
Other names: c.1602A>G, p.Pro534= (NM_001005918.3, NM_001330578.2, NM_001330579.2); c.1269A>G, p.Pro423= (NM_001243182.2).
Identifiers: ClinVar variation 1136868 (VCV001136868.10), dbSNP rs2139893951, ClinGen allele CA483897799.